The following is an entry in ClinVar:

NM_001903.5(CTNNA1):c.1067G>C (p.Gly356Ala)

Gene: CTNNA1 (catenin alpha 1; plus strand). Cytogenetic location: 5q31.2.
Variant type: single nucleotide variant.
Coding change: c.1067G>C on transcript NM_001903.5 (MANE Select); coding-DNA position 1067, G replaced by C.
Protein change: p.Gly356Ala; replaces glycine 356 with alanine.
Molecular consequence: missense variant. On other transcripts: 5 prime UTR variant (26), intron variant (2).
Genome position (GRCh38, 1-based): chr5:138,886,216, G>C. VCF-style: chr5-138886216-G-C. GRCh37 (hg19) VCF-style: chr5-138221905-G-C.
Other names: c.-441G>C (NM_001324008.1, NM_001324009.1, NM_001324007.1 and 1 more transcripts); c.-44G>C (NM_001324011.1, NM_001290312.1, NM_001323987.1 and 18 more transcripts); c.-316G>C (NM_001324013.1); c.-58+10619G>C (NM_001324012.1); c.-61+10619G>C (NM_001324010.1); c.1067G>C, p.Gly356Ala (NM_001290307.3, NM_001323982.2, NM_001323983.1 and 3 more transcripts); c.758G>C, p.Gly253Ala (NM_001290309.3); c.698G>C, p.Gly233Ala (NM_001290310.3); short protein forms G253A, G233A, G356A.
Identifiers: ClinVar variation 2787996 (VCV002787996.3), dbSNP rs2532979950, ClinGen allele CA361132463.

ClinVar aggregate classification (germline): Uncertain significance (1 of 4 stars; one submission).

Submission:

Labcorp Genetics (formerly Invitae), Labcorp
Classification: Uncertain significance. Last evaluated: 2025-09-27. Review status: criteria provided, single submitter. Criteria: Invitae Variant Classification Sherloc (09022015). Collection method: clinical testing. Allele origin: germline.
Comment: This sequence change replaces glycine, which is neutral and non-polar, with alanine, which is neutral and non-polar, at codon 356 of the CTNNA1 protein (p.Gly356Ala). This variant is not present in population databases (gnomAD no frequency). This variant has not been reported in the literature in individuals affected with CTNNA1-related conditions. ClinVar contains an entry for this variant (Variation ID: 2787996). Invitae Evidence Modeling of protein sequence and biophysical properties (such as structural, functional, and spatial information, amino acid conservation, physicochemical variation, residue mobility, and thermodynamic stability) indicates that this missense variant is not expected to disrupt CTNNA1 protein function with a negative predictive value of 80%. In summary, the available evidence is currently insufficient to determine the role of this variant in disease. Therefore, it has been classified as a Variant of Uncertain Significance.